The following is an entry in ClinVar:

ClinVar aggregate classification (germline): Uncertain significance (1 of 4 stars; one submission).

Conditions:
Hyper-IgE recurrent infection syndrome 1, autosomal dominant. Also called: JOB SYNDROME; Job's Syndrome; STAT3 Hyper IgE Syndrome; Hyper-IgE recurrent infection syndrome 1; HYPER-IgE SYNDROME 1, AUTOSOMAL DOMINANT, WITH RECURRENT INFECTIONS. Identifiers: Orphanet 2314, MedGen C2936739, MONDO:0007818, OMIM 147060.
STAT3 gain of function. Identifiers: MedGen C4288261.

gnomAD v4.1: 4 of 1,608,754 alleles (0.00025%); highest among the groups gnomAD compares: African/African-American, 0.0027%; no homozygotes.

Submission:

Labcorp Genetics (formerly Invitae), Labcorp
Classification: Uncertain significance for STAT3 gain of function; Hyper-IgE recurrent infection syndrome 1, autosomal dominant. Last evaluated: 2023-03-08. Review status: criteria provided, single submitter. Criteria: Invitae Variant Classification Sherloc (09022015). Collection method: clinical testing. Allele origin: germline.
Comment: This sequence change falls in intron 17 of the STAT3 gene. It does not directly change the encoded amino acid sequence of the STAT3 protein. It affects a nucleotide within the consensus splice site. The frequency data for this variant in the population databases is considered unreliable, as metrics indicate poor data quality at this position in the gnomAD database. This variant has not been reported in the literature in individuals affected with STAT3-related conditions. Variants that disrupt the consensus splice site are a relatively common cause of aberrant splicing (PMID: 17576681, 9536098). Algorithms developed to predict the effect of sequence changes on RNA splicing suggest that this variant may disrupt the consensus splice site. In summary, the available evidence is currently insufficient to determine the role of this variant in disease. Therefore, it has been classified as a Variant of Uncertain Significance.

Literature cited by the submitters: PubMed 17576681; PubMed 9536098.

NM_139276.3(STAT3):c.1600+5G>T

Gene: STAT3 (signal transducer and activator of transcription 3; minus strand). Cytogenetic location: 17q21.2.
Variant type: single nucleotide variant.
Coding change: c.1600+5G>T on transcript NM_139276.3 (MANE Select); 5 bases into the intron after coding-DNA position 1600, G replaced by T.
Molecular consequence: intron variant.
Genome position (GRCh38, 1-based): chr17:42,324,706, C>A on the plus strand (G>T on the coding strand, the complement: STAT3 is on the minus strand). VCF-style: chr17-42324706-C-A. GRCh37 (hg19) VCF-style: chr17-40476724-C-A.
Other names: c.1504+5G>T (NM_001384989.1); c.1540+5G>T (NM_001384992.1); c.1516+5G>T (NM_001384984.1); c.1600+5G>T (NM_001369519.1, NM_003150.4, NM_001369517.1 and 10 more transcripts); c.1522+5G>T (NM_001384985.1); c.1579+5G>T (NM_001384987.1); c.1615+5G>T (NM_001384986.1, NM_001384990.1).
Identifiers: ClinVar variation 2933386 (VCV002933386.3), dbSNP rs573079206, ClinGen allele CA626048379.